The following is an entry in ClinVar:

ClinVar aggregate classification (germline): Uncertain significance (1 of 4 stars; one submission).

Conditions:
Charcot-Marie-Tooth disease axonal type 2V. Also called: CHARCOT-MARIE-TOOTH NEUROPATHY, TYPE 2V; CHARCOT-MARIE-TOOTH DISEASE, AXONAL, AUTOSOMAL DOMINANT, TYPE 2V. Identifiers: Orphanet 447964, MedGen C5569050, MONDO:0014665, OMIM 616491.
Mucopolysaccharidosis, MPS-III-B (MPS3B). Also called: MUCOPOLYSACCHARIDOSIS, TYPE IIIB; Mucopolysaccharidosis type IIIB (Sanfilippo B); N-ACETYL-ALPHA-D-GLUCOSAMINIDASE DEFICIENCY; NAGLU DEFICIENCY; SANFILIPPO SYNDROME B; MPS III B. Identifiers: Orphanet 79270, MedGen C0086648, MONDO:0009656, OMIM 252920.

Submission:

Labcorp Genetics (formerly Invitae), Labcorp
Classification: Uncertain significance for Charcot-Marie-Tooth disease axonal type 2V; Mucopolysaccharidosis, MPS-III-B. Last evaluated: 2025-04-17. Review status: criteria provided, single submitter. Criteria: Invitae Variant Classification Sherloc (09022015). Collection method: clinical testing. Allele origin: germline.
Comment: This sequence change replaces methionine, which is neutral and non-polar, with isoleucine, which is neutral and non-polar, at codon 317 of the NAGLU protein (p.Met317Ile). This variant is not present in population databases (gnomAD no frequency). This variant has not been reported in the literature in individuals affected with NAGLU-related conditions. ClinVar contains an entry for this variant (Variation ID: 1722249). Invitae Evidence Modeling of protein sequence and biophysical properties (such as structural, functional, and spatial information, amino acid conservation, physicochemical variation, residue mobility, and thermodynamic stability) has been performed for this missense variant. However, the output from this modeling did not meet the statistical confidence thresholds required to predict the impact of this variant on NAGLU protein function. In summary, the available evidence is currently insufficient to determine the role of this variant in disease. Therefore, it has been classified as a Variant of Uncertain Significance.

NM_000263.4(NAGLU):c.951G>C (p.Met317Ile)

Gene: NAGLU (N-acetyl-alpha-glucosaminidase; plus strand). Cytogenetic location: 17q21.2.
Variant type: single nucleotide variant.
Coding change: c.951G>C on transcript NM_000263.4 (MANE Select); coding-DNA position 951, G replaced by C.
Protein change: p.Met317Ile; replaces methionine 317 with isoleucine.
Molecular consequence: missense variant.
Genome position (GRCh38, 1-based): chr17:42,541,136, G>C. VCF-style: chr17-42541136-G-C. GRCh37 (hg19) VCF-style: chr17-40693154-G-C.
Other names: short protein forms M317I.
Identifiers: ClinVar variation 1722249 (VCV001722249.4), dbSNP rs2510656601, ClinGen allele CA399600283.